The following is an entry in ClinVar:

ClinVar aggregate classification (germline): Uncertain significance. Review status: criteria provided, multiple submitters, no conflicts (2 of 4 stars). 4 submissions from 4 submitters: Uncertain significance (4). Last evaluated 2025-10-15.

Conditions:
Hypertrophic cardiomyopathy. Also called: HYPERTROPHIC MYOCARDIOPATHY. Identifiers: Orphanet 217569, MedGen C0007194, MeSH D002312, MONDO:0005045, HP:0001639.
Cardiovascular phenotype. Identifiers: MedGen CN230736.

Allele frequency attached by ClinVar (database versions not stated): TOPMed 0.00001.

Submissions (4):

Ambry Genetics
Classification: Uncertain significance for Cardiovascular phenotype. Last evaluated: 2025-10-15. Review status: criteria provided, single submitter. Criteria: Ambry Variant Classification Scheme 2023. Collection method: clinical testing. Allele origin: germline.
Comment: The p.A63T variant (also known as c.187G>A), located in coding exon 2 of the TPM1 gene, results from a G to A substitution at nucleotide position 187. The alanine at codon 63 is replaced by threonine, an amino acid with similar properties. This amino acid position is well conserved in available vertebrate species. In addition, this alteration is predicted to be tolerated by in silico analysis. Since supporting evidence is limited at this time, the clinical significance of this alteration remains unclear.

Labcorp Genetics (formerly Invitae), Labcorp
Classification: Uncertain significance for Hypertrophic cardiomyopathy. Last evaluated: 2024-04-24. Review status: criteria provided, single submitter. Criteria: Invitae Variant Classification Sherloc (09022015). Collection method: clinical testing. Allele origin: germline.
Comment: This sequence change replaces alanine, which is neutral and non-polar, with threonine, which is neutral and polar, at codon 63 of the TPM1 protein (p.Ala63Thr). This variant is not present in population databases (gnomAD no frequency). This variant has not been reported in the literature in individuals affected with TPM1-related conditions. ClinVar contains an entry for this variant (Variation ID: 424074). An algorithm developed to predict the effect of missense changes on protein structure and function (PolyPhen-2) suggests that this variant is likely to be tolerated. This variant disrupts the p.Ala63 amino acid residue in TPM1. Other variant(s) that disrupt this residue have been determined to be pathogenic (PMID: 8774330, 12900417, 15059934, 15479242, 20161772, 30022097; Invitae). This suggests that this residue is clinically significant, and that variants that disrupt this residue are likely to be disease-causing. In summary, the available evidence is currently insufficient to determine the role of this variant in disease. Therefore, it has been classified as a Variant of Uncertain Significance.

All of Us Research Program, National Institutes of Health
Classification: Uncertain significance for Hypertrophic cardiomyopathy. Last evaluated: 2023-04-24. Review status: criteria provided, single submitter. Criteria: ACMG Guidelines, 2015. Collection method: clinical testing. Allele origin: germline. Inheritance: Autosomal dominant inheritance. Observed: 1 variant allele, 1 heterozygote.
Comment: This missense variant replaces alanine with threonine at codon 63 of the TPM1 protein. Computational prediction suggests that this variant may not impact protein structure and function (internally defined REVEL score threshold <= 0.5, PMID: 27666373). To our knowledge, functional studies have not been reported for this variant. This variant has not been reported in individuals affected with TPM1-related disorders in the literature. This variant has not been identified in the general population by the Genome Aggregation Database (gnomAD). The available evidence is insufficient to determine the role of this variant in disease conclusively. Therefore, this variant is classified as a Variant of Uncertain Significance.

This study involves interpretation of variants in research participants for the purpose of population health screening. Participant phenotype was not available at the time of variant classification. Additional details can be found in publication PMID: 35346344, PMCID: PMC8962531

GeneDx
Classification: Uncertain significance. Last evaluated: 2021-05-14. Review status: criteria provided, single submitter. Criteria: GeneDx Variant Classification Process June 2021. Collection method: clinical testing. Allele origin: germline. Affected: yes.
Comment: Has not been previously published as pathogenic or benign to our knowledge; Not observed in large population cohorts (Lek et al., 2016); In silico analysis supports that this missense variant does not alter protein structure/function

Literature cited by the submitters: PubMed 8774330 (cited by Labcorp Genetics (formerly Invitae), Labcorp); PubMed 12900417 (cited by Labcorp Genetics (formerly Invitae), Labcorp); PubMed 15059934 (cited by Labcorp Genetics (formerly Invitae), Labcorp); PubMed 15479242 (cited by Labcorp Genetics (formerly Invitae), Labcorp); PubMed 20161772 (cited by Labcorp Genetics (formerly Invitae), Labcorp); PubMed 30022097 (cited by Labcorp Genetics (formerly Invitae), Labcorp).

NM_001018005.2(TPM1):c.187G>A (p.Ala63Thr)

Gene: TPM1 (tropomyosin 1; plus strand). Cytogenetic location: 15q22.2.
Variant type: single nucleotide variant.
Coding change: c.187G>A on transcript NM_001018005.2 (MANE Select); coding-DNA position 187, G replaced by A.
Protein change: p.Ala63Thr; replaces alanine 63 with threonine.
Molecular consequence: missense variant. On other transcripts: intron variant (3).
Genome position (GRCh38, 1-based): chr15:63,044,099, G>A. VCF-style: chr15-63044099-G-A. GRCh37 (hg19) VCF-style: chr15-63336298-G-A.
Other names: c.187G>A, p.Ala63Thr (NM_000366.6, NM_001018004.2, NM_001018006.2 and 3 more transcripts); c.313G>A, p.Ala105Thr (NM_001365778.1); c.240+268G>A (NM_001018020.2, NM_001018007.2, NM_001301244.2); short protein forms A63T, A105T.
Identifiers: ClinVar variation 424074 (VCV000424074.13), dbSNP rs1064796782, ClinGen allele CA16619982.
Genomic context (GRCh38, chr15:63,044,099, plus strand): 5'-CTGGTGTCACTGCAAAAGAAACTCAAGGGCACCGAAGATGAACTGGACAAATACTCTGAG[G>A]CTCTCAAAGATGCCCAGGAGAAGCTGGAGCTGGCAGAGAAAAAGGCCACCGATGTAAGTG-3'
Protein context (NP_001018005.1, residues 53-73): TEDELDKYSE[Ala63Thr]LKDAQEKLEL